The following is an entry in ClinVar:

NM_000368.5(TSC1):c.2443AAG[1] (p.Lys816del)

Gene: TSC1 (TSC complex subunit 1; minus strand). Cytogenetic location: 9q34.13.
Variant type: Microsatellite.
Coding change: c.2443AAG[1] on transcript NM_000368.5 (MANE Select); one copy of the 3-base unit AAG starting at c.2443; the reference has two copies in a row; one copy, 3 bases deleted.
Protein change: p.Lys816del; deletes lysine 816.
Molecular consequence: inframe deletion.
Genome position (GRCh38, 1-based): chr9:132,901,643-132,901,645, CTT deleted on the plus strand (AAG on the coding strand, the reverse complement: TSC1 is on the minus strand); deleting any 3 consecutive bases within chr9:132,901,643-132,901,649 gives the same sequence; the position shown is the placement nearest the transcript's 3' end. VCF-style (leftmost placement, unchanged base first): chr9-132901642-CCTT-C. GRCh37 (hg19) VCF-style: chr9-135777029-CCTT-C.
Other names: c.2446_2448delAAG (NM_000368.4); c.2440AAG[1], p.Lys815del (NM_001162426.2); c.2290AAG[1], p.Lys765del (NM_001162427.2); c.2080AAG[1], p.Lys695del (NM_001362177.2); short protein forms K816del, K695del, K765del, K815del.
Identifiers: ClinVar variation 1350156 (VCV001350156.7), dbSNP rs1564476060, ClinGen allele CA918569499.
Genomic context (GRCh38, chr9:132,901,642, plus strand): 5'-TTCTTACCTTTTGGGAAACCTGACTGAGCAGCAGCTCAGTGTGACACACCTTGTTGTTGG[CCTT>C]CTTCAGTTCTATCCGCAGCTCCGCAATCATGTTCCTGCAGTCCTCCAGCTTCGTCTGCCC-3'

ClinVar aggregate classification (germline): Uncertain significance. Review status: criteria provided, multiple submitters, no conflicts (2 of 4 stars). 2 submissions from 2 submitters: Uncertain significance (2). Last evaluated 2025-07-10.

Conditions:
Tuberous sclerosis 1 (TSC1). Identifiers: Orphanet 805, MedGen C1854465, MONDO:0008612, OMIM 191100.
Hereditary cancer-predisposing syndrome. Also called: Hereditary Cancer Syndrome; Neoplastic Syndromes, Hereditary; Tumor predisposition; Hereditary neoplastic syndrome. Identifiers: Orphanet 140162, MedGen C0027672, MeSH D009386, MONDO:0015356.

Submissions (2):

Ambry Genetics
Classification: Uncertain significance for Hereditary cancer-predisposing syndrome. Last evaluated: 2025-07-10. Review status: criteria provided, single submitter. Criteria: Ambry Variant Classification Scheme 2023. Collection method: clinical testing. Allele origin: germline.
Comment: The c.2446_2448delAAG variant (also known as p.K816del) is located in coding exon 17 of the TSC1 gene. This variant results from an in-frame AAG deletion at nucleotide positions 2446 to 2448. This results in the in-frame deletion of a lysine at codon 816. This amino acid position is well conserved in available vertebrate species. In addition, this variant is predicted to be deleterious by in silico analysis (Choi Y et al. PLoS ONE. 2012; 7(10):e46688). Based on the available evidence, the clinical significance of this variant remains unclear.

Labcorp Genetics (formerly Invitae), Labcorp
Classification: Uncertain significance for Tuberous sclerosis 1. Last evaluated: 2022-07-16. Review status: criteria provided, single submitter. Criteria: Invitae Variant Classification Sherloc (09022015). Collection method: clinical testing. Allele origin: germline.
Comment: This variant, c.2446_2448del, results in the deletion of 1 amino acid(s) of the TSC1 protein (p.Lys816del), but otherwise preserves the integrity of the reading frame. This variant is not present in population databases (gnomAD no frequency). This variant has not been reported in the literature in individuals affected with TSC1-related conditions. Experimental studies and prediction algorithms are not available or were not evaluated, and the functional significance of this variant is currently unknown. In summary, the available evidence is currently insufficient to determine the role of this variant in disease. Therefore, it has been classified as a Variant of Uncertain Significance.